The following is an entry in ClinVar:

NM_004821.3(HAND1):c.101G>T (p.Arg34Leu)

Gene: HAND1 (heart and neural crest derivatives expressed 1; minus strand). Cytogenetic location: 5q33.2.
Variant type: single nucleotide variant.
Coding change: c.101G>T on transcript NM_004821.3 (MANE Select); coding-DNA position 101, G replaced by T.
Protein change: p.Arg34Leu; replaces arginine 34 with leucine.
Molecular consequence: missense variant.
Genome position (GRCh38, 1-based): chr5:154,477,908, C>A on the plus strand (G>T on the coding strand, the complement: HAND1 is on the minus strand). VCF-style: chr5-154477908-C-A. GRCh37 (hg19) VCF-style: chr5-153857468-C-A.
Other names: short protein forms R34L.
Identifiers: ClinVar variation 4812065 (VCV004812065.1).

ClinVar aggregate classification (germline): Uncertain significance (1 of 4 stars; one submission).

Conditions:
Hypoplastic left heart syndrome. Also called: Hypoplastic left ventricle; Hypoplastic left heart. Identifiers: Orphanet 2248, MedGen C0152101, MONDO:0004933, HP:0004383.

Submission:

Labcorp Genetics (formerly Invitae), Labcorp
Classification: Uncertain significance for Hypoplastic left heart syndrome. Last evaluated: 2025-10-28. Review status: criteria provided, single submitter. Criteria: Invitae Variant Classification Sherloc (09022015). Collection method: clinical testing. Allele origin: germline.
Comment: This sequence change replaces arginine, which is basic and polar, with leucine, which is neutral and non-polar, at codon 34 of the HAND1 protein (p.Arg34Leu). This variant is present in population databases (no rsID available, gnomAD 0.003%). This variant has not been reported in the literature in individuals affected with HAND1-related conditions. An algorithm developed to predict the effect of missense changes on protein structure and function (PolyPhen-2) suggests that this variant is likely to be disruptive. In summary, the available evidence is currently insufficient to determine the role of this variant in disease. Therefore, it has been classified as a Variant of Uncertain Significance.